The following is an entry in ClinVar:

NM_138459.5(NUS1):c.695C>G (p.Ser232Ter)

Gene: NUS1 (NUS1 dehydrodolichyl diphosphate synthase subunit; plus strand). Cytogenetic location: 6q22.1.
Variant type: single nucleotide variant.
Coding change: c.695C>G on transcript NM_138459.5 (MANE Select); coding-DNA position 695, C replaced by G.
Protein change: p.Ser232Ter; replaces serine 232 with a stop codon.
Molecular consequence: nonsense.
Genome position (GRCh38, 1-based): chr6:117,703,608, C>G. VCF-style: chr6-117703608-C-G. GRCh37 (hg19) VCF-style: chr6-118024771-C-G.
Other names: short protein forms S232*.
Identifiers: ClinVar variation 2101645 (VCV002101645.4), dbSNP rs2482032088, ClinGen allele CA365537255.

ClinVar aggregate classification (germline): Pathogenic (1 of 4 stars; one submission).

Conditions:
Congenital disorder of glycosylation, type Iaa. Also called: Congenital disorder of glycosylation, type 1aa. Identifiers: MedGen C4310727, MONDO:0014904, OMIM 617082.

Submission:

Labcorp Genetics (formerly Invitae), Labcorp
Classification: Pathogenic for Congenital disorder of glycosylation, type Iaa. Last evaluated: 2022-02-22. Review status: criteria provided, single submitter. Criteria: Invitae Variant Classification Sherloc (09022015). Collection method: clinical testing. Allele origin: germline.
Comment: This sequence change creates a premature translational stop signal (p.Ser232*) in the NUS1 gene. It is expected to result in an absent or disrupted protein product. Loss-of-function variants in NUS1 are known to be pathogenic (PMID: 29100083). This variant is not present in population databases (gnomAD no frequency). This variant has not been reported in the literature in individuals affected with NUS1-related conditions. For these reasons, this variant has been classified as Pathogenic.

Literature cited by the submitters: PubMed 29100083.